The following is an entry in ClinVar:

ClinVar aggregate classification (germline): Benign. Review status: criteria provided, multiple submitters, no conflicts (2 of 4 stars). 3 submissions from 3 submitters: Benign (2). 1 of the submissions does not count toward it. Last evaluated 2026-01-26.

Conditions:
SLC1A2-related disorder. Also called: SLC1A2-related condition.

Allele frequency attached by ClinVar (database versions not stated): gnomAD 0.00078 and 0.00003; TOPMed 0.00011; gnomAD exomes 0.00235 and 0.00108; 1000 Genomes Project 30x 0.00515; 1000 Genomes Project 0.00579; ExAC 0.00262.
gnomAD v4.1: 1,695 of 1,609,732 alleles (0.11%); highest among the groups gnomAD compares: South Asian, 1.8%; 29 homozygotes.

Submissions (3):

Labcorp Genetics (formerly Invitae), Labcorp
Classification: Benign. Last evaluated: 2026-01-26. Review status: criteria provided, single submitter. Criteria: Invitae Variant Classification Sherloc (09022015). Collection method: clinical testing. Allele origin: germline.

Breakthrough Genomics
Classification: Benign. Review status: criteria provided, single submitter. Criteria: ACMG Guidelines, 2015. Collection method: not provided. Allele origin: germline. Inheritance: Autosomal dominant inheritance. Affected: yes.

PreventionGenetics, part of Exact Sciences
Classification: Benign for SLC1A2-related condition. Last evaluated: 2019-10-31. Review status: no assertion criteria provided. Collection method: clinical testing. Allele origin: germline. Not counted in ClinVar's aggregate classification.
Comment: This variant is classified as benign based on ACMG/AMP sequence variant interpretation guidelines (Richards et al. 2015 PMID: 25741868, with internal and published modifications).

NM_004171.4(SLC1A2):c.1302G>A (p.Leu434=)

Gene: SLC1A2 (solute carrier family 1 member 2; minus strand). Cytogenetic location: 11p13.
Variant type: single nucleotide variant.
Coding change: c.1302G>A on transcript NM_004171.4 (MANE Select); coding-DNA position 1302, G replaced by A.
Protein change: p.Leu434=; no amino-acid change (leucine 434 retained).
Molecular consequence: synonymous variant.
Genome position (GRCh38, 1-based): chr11:35,280,986, C>T on the plus strand (G>A on the coding strand, the complement: SLC1A2 is on the minus strand). VCF-style: chr11-35280986-C-T. GRCh37 (hg19) VCF-style: chr11-35302533-C-T.
Other names: c.1275G>A, p.Leu425= (NM_001195728.3, NM_001252652.2).
Identifiers: ClinVar variation 707367 (VCV000707367.14), dbSNP rs200968484, ClinGen allele CA5947105.